The following is an entry in ClinVar:

ClinVar aggregate classification (germline): Likely benign. Review status: criteria provided, multiple submitters, no conflicts (2 of 4 stars). 2 submissions from 2 submitters: Likely benign (2). Last evaluated 2023-10-01.

Conditions:
Spastic ataxia 2. Also called: Ataxia, spastic, 2, autosomal recessive. Identifiers: Orphanet 397946, MedGen C1969796, MONDO:0012651, OMIM 611302.

Allele frequency attached by ClinVar (database versions not stated): TOPMed 0.00008; gnomAD 0.00009.
gnomAD v4.1: 238 of 1,542,112 alleles (0.015%); highest among the groups gnomAD compares: Non-Finnish European, 0.02%; no homozygotes.

Submissions (2):

CeGaT Center for Human Genetics Tuebingen
Classification: Likely benign. Last evaluated: 2023-10-01. Review status: criteria provided, single submitter. Criteria: CeGaT Center For Human Genetics Tuebingen Variant Classification Criteria Version 2. Collection method: clinical testing. Allele origin: germline. Affected: yes. Observed: 2 variant alleles.
Comment: KIF1C: BP4, BP7

Labcorp Genetics (formerly Invitae), Labcorp
Classification: Likely benign for Spastic ataxia 2. Last evaluated: 2022-07-20. Review status: criteria provided, single submitter. Criteria: Invitae Variant Classification Sherloc (09022015). Collection method: clinical testing. Allele origin: germline.

NM_006612.6(KIF1C):c.2883G>C (p.Gly961=)

Gene: KIF1C (kinesin family member 1C; plus strand). Cytogenetic location: 17p13.2.
Variant type: single nucleotide variant.
Coding change: c.2883G>C on transcript NM_006612.6 (MANE Select); coding-DNA position 2883, G replaced by C.
Protein change: p.Gly961=; no amino-acid change (glycine 961 retained).
Molecular consequence: synonymous variant.
Genome position (GRCh38, 1-based): chr17:5,023,722, G>C. VCF-style: chr17-5023722-G-C. GRCh37 (hg19) VCF-style: chr17-4927017-G-C.
Identifiers: ClinVar variation 2037832 (VCV002037832.28), dbSNP rs779772092, ClinGen allele CA8319422.
Genomic context (GRCh38, chr17:5,023,722, plus strand): 5'-GCTCAAGCAGGAGCAGCTACGGCTGCAGGGACTGCAGGGCTCTGGGGGCCGGGGCGGGGG[G>C]CTGCGCAGGCCCCCAGCCCGCTTTGTGCCCCCTCACGACTGCAAGCTACGCTTCCCCTTC-3'
Protein context (NP_006603.2, residues 951-971): GLQGSGGRGG[Gly961=]LRRPPARFVP